The following is an entry in ClinVar:

ClinVar aggregate classification (germline): Pathogenic (1 of 4 stars; one submission).

Conditions:
Nephronophthisis 15 (NPHP15). Identifiers: Orphanet 3156, MedGen C3541853, MONDO:0013917, OMIM 614845.

Submission:

Labcorp Genetics (formerly Invitae), Labcorp
Classification: Pathogenic for Nephronophthisis 15. Last evaluated: 2024-10-15. Review status: criteria provided, single submitter. Criteria: Invitae Variant Classification Sherloc (09022015). Collection method: clinical testing. Allele origin: germline.
Comment: This sequence change creates a premature translational stop signal (p.Gln553*) in the CEP164 gene. It is expected to result in an absent or disrupted protein product. Loss-of-function variants in CEP164 are known to be pathogenic (PMID: 22863007, 28125082, 32367404, 34132027, 34499853). This variant is not present in population databases (gnomAD no frequency). This variant has not been reported in the literature in individuals affected with CEP164-related conditions. Algorithms developed to predict the effect of sequence changes on RNA splicing suggest that this variant may disrupt the consensus splice site. For these reasons, this variant has been classified as Pathogenic.

Literature cited by the submitters: PubMed 22863007; PubMed 28125082; PubMed 32367404; PubMed 34132027; PubMed 34499853.

NM_014956.5(CEP164):c.1657C>T (p.Gln553Ter)

Gene: CEP164 (centrosomal protein 164; plus strand). Cytogenetic location: 11q23.3.
Variant type: single nucleotide variant.
Coding change: c.1657C>T on transcript NM_014956.5 (MANE Select); coding-DNA position 1657, C replaced by T.
Protein change: p.Gln553Ter; replaces glutamine 553 with a stop codon.
Molecular consequence: nonsense.
Genome position (GRCh38, 1-based): chr11:117,382,875, C>T. VCF-style: chr11-117382875-C-T. GRCh37 (hg19) VCF-style: chr11-117253591-C-T.
Other names: c.1666C>T, p.Gln556Ter (NM_001271933.2); short protein forms Q553*, Q556*.
Identifiers: ClinVar variation 2741174 (VCV002741174.3), dbSNP rs2541615817, ClinGen allele CA382713694.